The following is an entry in ClinVar:

NM_002471.4(MYH6):c.345T>C (p.Tyr115=)

Genes: MYH6 (myosin heavy chain 6; minus strand), LOC114827851 (VISTA enhancer hs2155; plus strand). Cytogenetic location: 14q11.2.
Variant type: single nucleotide variant.
Coding change: c.345T>C on transcript NM_002471.4 (MANE Select); coding-DNA position 345, T replaced by C.
Protein change: p.Tyr115=; no amino-acid change (tyrosine 115 retained).
Molecular consequence: synonymous variant.
Genome position (GRCh38, 1-based): chr14:23,405,627, A>G on the plus strand (T>C on the coding strand, the complement: MYH6 is on the minus strand). VCF-style: chr14-23405627-A-G. GRCh37 (hg19) VCF-style: chr14-23874836-A-G.
Identifiers: ClinVar variation 684842 (VCV000684842.10), dbSNP rs770221652, ClinGen allele CA7116202.

ClinVar aggregate classification (germline): Conflicting classifications of pathogenicity. Review status: criteria provided, conflicting classifications (1 of 4 stars). 3 submissions from 3 submitters: Uncertain significance (2); Likely benign (1). Last evaluated 2024-08-06.

Conditions:
Cardiovascular phenotype. Identifiers: MedGen CN230736.
Primary familial hypertrophic cardiomyopathy (HCM). Identifiers: Orphanet 99739, MedGen C0949658, MeSH D024741, MONDO:0024573. Inheritance: Various modes of inheritance.
Hypertrophic cardiomyopathy 14. Identifiers: MedGen C2750467, MONDO:0013197, OMIM 613251.

Allele frequency attached by ClinVar (database versions not stated): gnomAD exomes below 0.00001; ExAC 0.00001; gnomAD 0.00001; TOPMed 0.00002.

Submissions (3):

Ambry Genetics
Classification: Likely benign for Cardiovascular phenotype. Last evaluated: 2024-08-06. Review status: criteria provided, single submitter. Criteria: Ambry Variant Classification Scheme 2023. Collection method: clinical testing. Allele origin: germline.

Labcorp Genetics (formerly Invitae), Labcorp
Classification: Uncertain significance for Hypertrophic cardiomyopathy 14. Last evaluated: 2022-09-01. Review status: criteria provided, single submitter. Criteria: Invitae Variant Classification Sherloc (09022015). Collection method: clinical testing. Allele origin: germline.
Comment: ClinVar contains an entry for this variant (Variation ID: 684842). This sequence change affects codon 115 of the MYH6 mRNA. It is a 'silent' change, meaning that it does not change the encoded amino acid sequence of the MYH6 protein. It affects a nucleotide within the consensus splice site. This variant is present in population databases (rs770221652, gnomAD 0.0009%). This variant has not been reported in the literature in individuals affected with MYH6-related conditions. Algorithms developed to predict the effect of sequence changes on RNA splicing suggest that this variant is not likely to affect RNA splicing. In summary, the available evidence is currently insufficient to determine the role of this variant in disease. Therefore, it has been classified as a Variant of Uncertain Significance.

Molecular Diagnostic Laboratory for Inherited Cardiovascular Disease, Montreal Heart Institute
Classification: Uncertain significance for Primary familial hypertrophic cardiomyopathy. Review status: criteria provided, single submitter. Criteria: ACMG Guidelines, 2015. Collection method: clinical testing. Allele origin: germline. Affected: yes.